The following is an entry in ClinVar:

ClinVar aggregate classification (germline): Uncertain significance (1 of 4 stars; one submission).

Conditions:
Familial thoracic aortic aneurysm and aortic dissection (TAAD). Also called: Thoracic aortic aneurysms and dissections. Identifiers: Orphanet 91387, MedGen C4707243, MONDO:0019625.

gnomAD v4.1: 1 of 1,596,510 alleles (0.000063%); highest among the groups gnomAD compares: Non-Finnish European, 0.000085%; no homozygotes.

Submission:

Labcorp Genetics (formerly Invitae), Labcorp
Classification: Uncertain significance for Familial thoracic aortic aneurysm and aortic dissection. Last evaluated: 2025-06-17. Review status: criteria provided, single submitter. Criteria: Invitae Variant Classification Sherloc (09022015). Collection method: clinical testing. Allele origin: germline.
Comment: This sequence change replaces lysine, which is basic and polar, with glutamine, which is neutral and polar, at codon 30 of the TGFBR2 protein (p.Lys30Gln). This variant is not present in population databases (gnomAD no frequency). This variant has not been reported in the literature in individuals affected with TGFBR2-related conditions. Invitae Evidence Modeling of protein sequence and biophysical properties (such as structural, functional, and spatial information, amino acid conservation, physicochemical variation, residue mobility, and thermodynamic stability) indicates that this missense variant is not expected to disrupt TGFBR2 protein function with a negative predictive value of 95%. In summary, the available evidence is currently insufficient to determine the role of this variant in disease. Therefore, it has been classified as a Variant of Uncertain Significance.

NM_003242.6(TGFBR2):c.88A>C (p.Lys30Gln)

Gene: TGFBR2 (transforming growth factor beta receptor 2; plus strand). Cytogenetic location: 3p24.1.
Variant type: single nucleotide variant.
Coding change: c.88A>C on transcript NM_003242.6 (MANE Select); coding-DNA position 88, A replaced by C.
Protein change: p.Lys30Gln; replaces lysine 30 with glutamine.
Molecular consequence: missense variant. On other transcripts: 5 prime UTR variant (4), intron variant (2).
Genome position (GRCh38, 1-based): chr3:30,606,971, A>C. VCF-style: chr3-30606971-A-C. GRCh37 (hg19) VCF-style: chr3-30648463-A-C.
Other names: c.88A>C, p.Lys30Gln (NM_001024847.3, NM_001407126.1, NM_001407127.1 and 4 more transcripts); c.-196A>C (NM_001407133.1); c.-74A>C (NM_001407134.1); c.-121A>C (NM_001407135.1); c.-206A>C (NM_001407136.1); c.-12+378A>C (NM_001407129.1, NM_001407132.1); short protein forms K30Q.
Identifiers: ClinVar variation 4762963 (VCV004762963.1).